The following is an entry in ClinVar:

NM_000169.3(GLA):c.870G>A (p.Met290Ile)

Genes: GLA (galactosidase alpha; minus strand), RPL36A-HNRNPH2 (RPL36A-HNRNPH2 readthrough; plus strand). Cytogenetic location: Xq22.1.
Variant type: single nucleotide variant.
Coding change: c.870G>A on transcript NM_000169.3 (MANE Select); coding-DNA position 870, G replaced by A.
Protein change: p.Met290Ile; replaces methionine 290 with isoleucine.
Molecular consequence: missense variant. On other transcripts: non-coding transcript variant (3), intron variant (2).
Genome position (GRCh38, 1-based): chrX:101,398,499, C>T on the plus strand (G>A on the coding strand, the complement: GLA is on the minus strand). VCF-style: chrX-101398499-C-T. GRCh37 (hg19) VCF-style: chrX-100653487-C-T.
Other names: c.993G>A, p.Met331Ile (NM_001406747.1); c.870G>A, p.Met290Ile (NM_001406748.1); c.300+3042C>T (NM_001199973.2); c.177+6677C>T (NM_001199974.2); short protein forms M290I, M331I.
Identifiers: ClinVar variation 222435 (VCV000222435.24), dbSNP rs869312438, ClinGen allele CA352736.

ClinVar aggregate classification (germline): Conflicting classifications of pathogenicity. Review status: criteria provided, conflicting classifications (1 of 4 stars). 7 submissions from 7 submitters: Pathogenic (4); Likely pathogenic (1); Uncertain significance (1). 1 of the submissions does not count toward it. Last evaluated 2026-09-08.

Conditions:
Fabry disease. Also called: GLA DEFICIENCY; HEREDITARY DYSTOPIC LIPIDOSIS; Fabry's disease; Angiokeratoma corporis diffusum; Ceramide trihexosidosis; ALPHA-GALACTOSIDASE A DEFICIENCY. Identifiers: Orphanet 324, MedGen C0002986, MONDO:0010526, OMIM 301500, HP:0001071. Disease mechanism: loss of function, Fabry disease is due to inactivating mutations in the X-linked GLA gene resulting in deficiency of the enzyme Alpha Galactosidase-A..

gnomAD v4.1: 3 of 1,207,469 alleles (0.00025%); highest among the groups gnomAD compares: Admixed American, 0.0022%; no homozygotes.

Submissions (7):

Genomenon, Inc
Classification: Likely pathogenic for Fabry disease. Last evaluated: 2026-09-08. Review status: criteria provided, single submitter. Criteria: Genomenon Sequence Variant Interpretation Standards - Updated. Collection method: curation. Allele origin: germline. Affected: yes.
Comment: GLA p.Met290Ile (c.870G>A) is a missense variant that changes the amino acid at codon 290 from Methionine to Isoleucine. This variant has been observed in at least one proband with clinical features consistent with Fabry disease (PMID:36745055;31996269;28646478;28302345;29305833;16595074;39669636). Functional or patient cell studies have been reported (PMID:28646478;28302345;32802993;31996269;23935525). The presence of pathogenic/likely pathogenic missense variant(s) at the same amino acid position indicates that this residue is likely important for protein function. It is absent or not present at a significant frequency in gnomAD. In silico models predict that this variant is possibly or probably damaging. In conclusion, we classify GLA p.Met290Ile (c.870G>A) as a likely pathogenic variant.

Labcorp Genetics (formerly Invitae), Labcorp
Classification: Pathogenic for Fabry disease. Last evaluated: 2025-12-24. Review status: criteria provided, single submitter. Criteria: Invitae Variant Classification Sherloc (09022015). Collection method: clinical testing. Allele origin: germline.
Comment: This sequence change replaces methionine, which is neutral and non-polar, with isoleucine, which is neutral and non-polar, at codon 290 of the GLA protein (p.Met290Ile). This variant is not present in population databases (gnomAD no frequency). This missense change has been observed in individuals with Fabry disease (PMID: 23935525, 27773586, 28728877, 29307789). ClinVar contains an entry for this variant (Variation ID: 222435). Invitae Evidence Modeling of protein sequence and biophysical properties (such as structural, functional, and spatial information, amino acid conservation, physicochemical variation, residue mobility, and thermodynamic stability) has been performed for this missense variant. However, the output from this modeling did not meet the statistical confidence thresholds required to predict the impact of this variant on GLA protein function. Experimental studies have shown that this missense change affects GLA function (PMID: 22773828, 23935525). This variant disrupts the p.Met290 amino acid residue in GLA. Other variant(s) that disrupt this residue have been determined to be pathogenic (PMID: 21517827; internal data). This suggests that this residue is clinically significant, and that variants that disrupt this residue are likely to be disease-causing. For these reasons, this variant has been classified as Pathogenic.

GeneDx
Classification: Uncertain significance. Last evaluated: 2025-06-13. Review status: criteria provided, single submitter. Criteria: GeneDx Variant Classification Process June 2021. Collection method: clinical testing. Allele origin: germline. Affected: yes.
Comment: Published functional studies found this variant retains significant residual enzyme activity (PMID: 22773828, 23935525); Not observed at significant frequency in large population cohorts (gnomAD); In silico analysis indicates that this missense variant does not alter protein structure/function; This variant is associated with the following publications: (PMID: 28646478, 25382311, 16595074, 28728877, 27773586, 33907643, 32531501, 27657681, 29307789, 23935525, 35722479, 37441486, 31996269, 28302345, 32802993, 36745055, 37152446, Coutinho2017[Paper], 22773828, 36564230, 39620496, 40138980, 40198168, 39669636)

Dasa
Classification: Pathogenic. Last evaluated: 2025-06-05. Review status: criteria provided, single submitter. Criteria: DASA Assertion Criteria. Collection method: clinical testing. Allele origin: germline.
Comment: NM_000169.3(GLA):c.870G>A (p.Met290Ile) is a missense variant that results in the substitution of methionine with isoleucine. This variant results in the same amino acid change as a previously established pathogenic variant. Functional evidence supports a deleterious effect on the gene or gene product (PMID: 22773828; PMID: 23935525; PMID: 25382311; PMID: 27560961; PMID: 27916943). This variant has been recurrently observed in individuals with related phenotype (PMID: 22773828; PMID: 23935525; PMID: 25382311; PMID: 27560961; PMID: 27916943). Multiple computational predictions support a deleterious effect on the gene or gene product. The variant is present at low frequency in population datasets. Based on the available data, this variant is classified as pathogenic.

All of Us Research Program, National Institutes of Health
Classification: Pathogenic for Fabry disease. Last evaluated: 2023-12-06. Review status: criteria provided, single submitter. Criteria: ACMG Guidelines, 2015. Collection method: clinical testing. Allele origin: germline. Inheritance: X-linked inheritance. Observed: 1 variant allele, 1 heterozygote.
Comment: The c.870G>A (p.Met290Ile) variant in the GLA gene is located in the exon 6 of the GLA gene and is predicted to replace methionine with isoleucine at codon 290 of the GLA protein. This variant has been identified in many individuals with Fabry disease (PMID: 31996269, 33907643, 36745055, 32531501, 36564230, 28728877, 29307789). Experimental studies have shown that this missense change affects GLA function (PMID: 22773828). This variant has not been detected in the general population according to gnomAD. In silico prediction algorithm suggests that this variant may have deleterious impact on protein structure and function (REVEL score 0.884). A different variant affecting the same amino acid residue Met290 (c.870G>C, p.Met290Ile) has been determined to be likely pathogenic in ClinVar according to ACMG guidelines. Therefore, the c.870G>A (p.Met290Ile) variant in the GLA gene has been classified as pathogenic.

This study involves interpretation of variants in research participants for the purpose of population health screening. Participant phenotype was not available at the time of variant classification. Additional details can be found in publication PMID: 35346344, PMCID: PMC8962531

Revvity Omics, Revvity
Classification: Pathogenic. Last evaluated: 2023-08-10. Review status: criteria provided, single submitter. Criteria: ACMG Guidelines, 2015. Collection method: clinical testing. Allele origin: germline.

Natera, Inc.
Classification: Likely pathogenic for Fabry disease. Last evaluated: 2021-01-06. Review status: no assertion criteria provided. Collection method: clinical testing. Allele origin: germline. Not counted in ClinVar's aggregate classification.

Literature cited by the submitters: PubMed 36745055 (cited by Genomenon, Inc and All of Us Research Program, National Institutes of Health); PubMed 31996269 (cited by Genomenon, Inc and All of Us Research Program, National Institutes of Health); PubMed 28646478 (cited by Genomenon, Inc and Dasa); PubMed 28302345 (cited by Genomenon, Inc); PubMed 29305833 (cited by Genomenon, Inc); PubMed 16595074 (cited by Genomenon, Inc); PubMed 39669636 (cited by Genomenon, Inc); PubMed 32802993 (cited by Genomenon, Inc); PubMed 23935525 (cited by 3 submitters); PubMed 27773586 (cited by Labcorp Genetics (formerly Invitae), Labcorp); PubMed 28728877 (cited by Labcorp Genetics (formerly Invitae), Labcorp and All of Us Research Program, National Institutes of Health); PubMed 29307789 (cited by Labcorp Genetics (formerly Invitae), Labcorp and All of Us Research Program, National Institutes of Health); PubMed 22773828 (cited by 3 submitters); PubMed 21517827 (cited by Labcorp Genetics (formerly Invitae), Labcorp); PubMed 25382311 (cited by Dasa); PubMed 27560961 (cited by Dasa); PubMed 27916943 (cited by Dasa); PubMed 32531501 (cited by All of Us Research Program, National Institutes of Health); PubMed 33907643 (cited by All of Us Research Program, National Institutes of Health); PubMed 36564230 (cited by All of Us Research Program, National Institutes of Health).